The following is an entry in ClinVar:

ClinVar aggregate classification (germline): Pathogenic. Review status: criteria provided, multiple submitters, no conflicts (2 of 4 stars). 2 submissions from 2 submitters: Pathogenic (2). Last evaluated 2023-09-21.

Conditions:
Deficiency of iodide peroxidase (TDH2A). Also called: HYPOTHYROIDISM, CONGENITAL, DUE TO DYSHORMONOGENESIS, 2A; IODIDE PEROXIDASE DEFICIENCY; THYROID HORMONOGENESIS, GENETIC DEFECT IN, 2A; THYROID PEROXIDASE DEFICIENCY; Thyroid dyshormonogenesis 2A. Identifiers: Orphanet 95716, MedGen C1291299, MONDO:0010133, OMIM 274500.

Submissions (2):

Labcorp Genetics (formerly Invitae), Labcorp
Classification: Pathogenic. Last evaluated: 2023-09-21. Review status: criteria provided, single submitter. Criteria: Invitae Variant Classification Sherloc (09022015). Collection method: clinical testing. Allele origin: germline.
Comment: For these reasons, this variant has been classified as Pathogenic. ClinVar contains an entry for this variant (Variation ID: 623380). This premature translational stop signal has been observed in individual(s) with congenital hypothyroidism (PMID: 27135621, 34200080). This variant is present in population databases (rs760307139, gnomAD 0.004%). This sequence change creates a premature translational stop signal (p.Cys808Alafs*24) in the TPO gene. It is expected to result in an absent or disrupted protein product. Loss-of-function variants in TPO are known to be pathogenic (PMID: 11061528, 23236987, 25564141).

Department of Genetics, Sultan Qaboos University Hospital
Classification: Pathogenic for Deficiency of iodide peroxidase. Last evaluated: 2017-12-30. Review status: criteria provided, single submitter. Criteria: ACMG Guidelines, 2015. Collection method: clinical testing. Allele origin: unknown. Affected: yes.

Literature cited by the submitters: PubMed 27135621 (cited by Labcorp Genetics (formerly Invitae), Labcorp); PubMed 34200080 (cited by Labcorp Genetics (formerly Invitae), Labcorp); PubMed 11061528 (cited by Labcorp Genetics (formerly Invitae), Labcorp); PubMed 23236987 (cited by Labcorp Genetics (formerly Invitae), Labcorp); PubMed 25564141 (cited by Labcorp Genetics (formerly Invitae), Labcorp).

NM_001206744.2(TPO):c.2421del (p.Cys808fs)

Genes: TPO (thyroid peroxidase; plus strand), LALTOP (lung cancer associated lncRNA targeting TOP2A; minus strand). Cytogenetic location: 2p25.3.
Variant type: Deletion.
Coding change: c.2421del on transcript NM_001206744.2 (MANE Select); coding-DNA position 2421, one base deleted (C; older notation c.2421delC).
Protein change: p.Cys808fs; shifts the reading frame from cysteine 808.
Molecular consequence: frameshift variant. On other transcripts: intron variant (1).
Genome position (GRCh38, 1-based): chr2:1,503,982, C deleted; the last of 7 consecutive C bases (chr2:1,503,976-1,503,982); deleting any one gives the same sequence. VCF-style (leftmost placement, unchanged base first): chr2-1503975-AC-A. GRCh37 (hg19) VCF-style: chr2-1507747-AC-A.
Other names: c.2250del, p.Cys751fs (NM_001206745.2, NM_175719.4); c.1902del, p.Cys635fs (NM_175722.3); c.2386+7217del (NM_175721.3); c.2421del, p.Cys808fs (NM_000547.6); short protein forms C808fs, C751fs, C635fs.
Identifiers: ClinVar variation 623380 (VCV000623380.4), dbSNP rs760307139, ClinGen allele CA1512114.